The following is an entry in ClinVar:

ClinVar aggregate classification (germline): Uncertain significance (1 of 4 stars; one submission).

Allele frequency attached by ClinVar (database versions not stated): TOPMed below 0.00001.

Submission:

CeGaT Center for Human Genetics Tuebingen
Classification: Uncertain significance. Last evaluated: 2024-03-01. Review status: criteria provided, single submitter. Criteria: CeGaT Center For Human Genetics Tuebingen Variant Classification Criteria Version 2. Collection method: clinical testing. Allele origin: germline. Affected: yes. Observed: 1 variant allele.
Comment: GIPC3: PM2

NM_133261.3(GIPC3):c.569T>C (p.Leu190Pro)

Gene: GIPC3 (GIPC PDZ domain containing family member 3; plus strand). Cytogenetic location: 19p13.3.
Variant type: single nucleotide variant.
Coding change: c.569T>C on transcript NM_133261.3 (MANE Select); coding-DNA position 569, T replaced by C.
Protein change: p.Leu190Pro; replaces leucine 190 with proline.
Molecular consequence: missense variant.
Genome position (GRCh38, 1-based): chr19:3,586,971, T>C. VCF-style: chr19-3586971-T-C. GRCh37 (hg19) VCF-style: chr19-3586969-T-C.
Other names: c.569T>C, p.Leu190Pro (NM_001411144.1); short protein forms L190P.
Identifiers: ClinVar variation 3067781 (VCV003067781.21), dbSNP rs1191212673, ClinGen allele CA403362701.